The following is an entry in ClinVar:

ClinVar aggregate classification (germline): Likely pathogenic (1 of 4 stars; one submission).

Conditions:
WASHC5-related disorder. Also called: WASHC5-related condition.

Submission:

PreventionGenetics, part of Exact Sciences
Classification: Likely pathogenic for WASHC5-related condition. Last evaluated: 2025-12-16. Review status: criteria provided, single submitter. Criteria: ACMG Guidelines, 2015. Collection method: clinical testing. Allele origin: germline.
Comment: The WASHC5 c.1109delA variant is predicted to result in a frameshift and premature protein termination (p.Asn370Metfs*7). To our knowledge, this variant has not been reported in the literature or in a large population database, indicating this variant is rare. Frameshift variants in WASHC5 are expected to be pathogenic. This variant is interpreted as likely pathogenic.

NM_014846.4(WASHC5):c.1109del (p.Asn370fs)

Gene: WASHC5 (WASH complex subunit 5; minus strand). Cytogenetic location: 8q24.13.
Variant type: Deletion.
Coding change: c.1109del on transcript NM_014846.4 (MANE Select); coding-DNA position 1109, one base deleted (A; older notation c.1109delA).
Protein change: p.Asn370fs; shifts the reading frame from asparagine 370.
Molecular consequence: frameshift variant.
Genome position (GRCh38, 1-based): chr8:125,073,194, T deleted on the plus strand (A on the coding strand, the reverse complement: WASHC5 is on the minus strand); the first of 2 consecutive T bases (chr8:125,073,194-125,073,195); deleting either gives the same sequence. VCF-style (leftmost placement, unchanged base first): chr8-125073193-AT-A. GRCh37 (hg19) VCF-style: chr8-126085435-AT-A.
Other names: c.665del, p.Asn222fs (NM_001330609.2); short protein forms N222fs, N370fs.
Identifiers: ClinVar variation 3345558 (VCV003345558.2).
Genomic context (GRCh38, chr8:125,073,193, plus strand): 5'-CCACCCCTTTTGTGCATTACCTGAGTCTGCTGTATGAAGCATCAGCCATCGGATGGCAAC[AT>A]TGCAGTCTCTCAGGCAGTTCAGAAGCTTTGGGATATTGTCCAGAACCATCTCCTCCCTTA-3'